The following is an entry in ClinVar:

ClinVar aggregate classification (germline): Uncertain significance. Review status: criteria provided, multiple submitters, no conflicts (2 of 4 stars). 3 submissions from 3 submitters: Uncertain significance (2). 1 of the submissions does not count toward it. Last evaluated 2024-06-20.

Conditions:
Charlevoix-Saguenay spastic ataxia (SACS). Also called: Spastic ataxia of Charlevoix-Saguenay; SPASTIC ATAXIA 6, AUTOSOMAL RECESSIVE; AUTOSOMAL RECESSIVE SPASTIC ATAXIA OF CHARLEVOIX-SAGUENAY. Identifiers: Orphanet 98, MedGen C1849140, MONDO:0010041, OMIM 270550.
Spastic paraplegia. Identifiers: MedGen C0037772, HP:0001258.

gnomAD v4.1: 12 of 1,614,096 alleles (0.00074%); highest among the groups gnomAD compares: Non-Finnish European, 0.00085%; no homozygotes.

Submissions (3):

Women's Health and Genetics/Laboratory Corporation of America, LabCorp
Classification: Uncertain significance. Last evaluated: 2024-06-20. Review status: criteria provided, single submitter. Criteria: LabCorp Variant Classification Summary - May 2015. Collection method: clinical testing. Allele origin: germline.
Comment: Variant summary: SACS c.12905C>A (p.Ser4302Tyr) results in a non-conservative amino acid change in the encoded protein sequence. Three of five in-silico tools predict a damaging effect of the variant on protein function. The frequency data for this variant in gnomAD is considered unreliable, as metrics indicate poor data quality at this position. To our knowledge, no occurrence of c.12905C>A in individuals affected with Autosomal Recessive Spastic Ataxia Of Charlevoix-Saguenay and no experimental evidence demonstrating its impact on protein function have been reported. ClinVar contains an entry for this variant (Variation ID: 578310). Based on the evidence outlined above, the variant was classified as uncertain significance.

Labcorp Genetics (formerly Invitae), Labcorp
Classification: Uncertain significance for Spastic paraplegia. Last evaluated: 2024-01-08. Review status: criteria provided, single submitter. Criteria: Invitae Variant Classification Sherloc (09022015). Collection method: clinical testing. Allele origin: germline.
Comment: This sequence change replaces serine, which is neutral and polar, with tyrosine, which is neutral and polar, at codon 4302 of the SACS protein (p.Ser4302Tyr). This variant is not present in population databases (gnomAD no frequency). This variant has not been reported in the literature in individuals affected with SACS-related conditions. ClinVar contains an entry for this variant (Variation ID: 578310). Advanced modeling of protein sequence and biophysical properties (such as structural, functional, and spatial information, amino acid conservation, physicochemical variation, residue mobility, and thermodynamic stability) performed at Invitae indicates that this missense variant is not expected to disrupt SACS protein function with a negative predictive value of 95%. In summary, the available evidence is currently insufficient to determine the role of this variant in disease. Therefore, it has been classified as a Variant of Uncertain Significance.

Natera, Inc.
Classification: Uncertain significance for Charlevoix-Saguenay type spastic ataxia. Last evaluated: 2020-09-16. Review status: no assertion criteria provided. Collection method: clinical testing. Allele origin: germline. Not counted in ClinVar's aggregate classification.

NM_014363.6(SACS):c.12905C>A (p.Ser4302Tyr)

Gene: SACS (sacsin molecular chaperone; minus strand). Cytogenetic location: 13q12.12.
Variant type: single nucleotide variant.
Coding change: c.12905C>A on transcript NM_014363.6 (MANE Select); coding-DNA position 12905, C replaced by A.
Protein change: p.Ser4302Tyr; replaces serine 4302 with tyrosine.
Molecular consequence: missense variant.
Genome position (GRCh38, 1-based): chr13:23,330,971, G>T on the plus strand (C>A on the coding strand, the complement: SACS is on the minus strand). VCF-style: chr13-23330971-G-T. GRCh37 (hg19) VCF-style: chr13-23905110-G-T.
Other names: c.12464C>A, p.Ser4155Tyr (NM_001278055.2); short protein forms S4302Y, S4155Y.
Identifiers: ClinVar variation 578310 (VCV000578310.11), dbSNP rs778808568, ClinGen allele CA387506545.